The following is an entry in ClinVar:

ClinVar aggregate classification (germline): Uncertain significance. Review status: criteria provided, multiple submitters, no conflicts (2 of 4 stars). 2 submissions from 2 submitters: Uncertain significance (2). Last evaluated 2026-03-10.

Conditions:
Seizures, benign familial infantile, 3 (BFIS3). Also called: CONVULSIONS, BENIGN FAMILIAL INFANTILE, 3; Familial neonatal seizures. Identifiers: Orphanet 140927, Orphanet 306, MedGen C1843140, MONDO:0011904, OMIM 607745.
Developmental and epileptic encephalopathy, 11 (DEE11). Also called: Early infantile epileptic encephalopathy 11. Identifiers: Orphanet 1934, MedGen C3150987, MONDO:0013388, OMIM 613721.

Allele frequency attached by ClinVar (database versions not stated): TOPMed 0.00001.

Submissions (2):

GeneDx
Classification: Uncertain significance. Last evaluated: 2026-03-10. Review status: criteria provided, single submitter. Criteria: GeneDx Variant Classification Process June 2021. Collection method: clinical testing. Allele origin: germline.
Comment: Not observed at significant frequency in large population cohorts (gnomAD); In silico analysis suggests that this missense variant does not alter protein structure/function; This substitution is predicted to be within the C-terminal cytoplasmic domain; Has not been previously published as pathogenic or benign to our knowledge

Labcorp Genetics (formerly Invitae), Labcorp
Classification: Uncertain significance for Seizures, benign familial infantile, 3; Developmental and epileptic encephalopathy, 11. Last evaluated: 2022-07-05. Review status: criteria provided, single submitter. Criteria: Invitae Variant Classification Sherloc (09022015). Collection method: clinical testing. Allele origin: germline.
Comment: ClinVar contains an entry for this variant (Variation ID: 1006668). In summary, the available evidence is currently insufficient to determine the role of this variant in disease. Therefore, it has been classified as a Variant of Uncertain Significance. Algorithms developed to predict the effect of missense changes on protein structure and function are either unavailable or do not agree on the potential impact of this missense change (SIFT: "Deleterious"; PolyPhen-2: "Benign"; Align-GVGD: "Class C35"). This variant has not been reported in the literature in individuals affected with SCN2A-related conditions. This variant is not present in population databases (gnomAD no frequency). This sequence change replaces glutamic acid, which is acidic and polar, with aspartic acid, which is acidic and polar, at codon 1868 of the SCN2A protein (p.Glu1868Asp).

NM_001040142.2(SCN2A):c.5604G>C (p.Glu1868Asp)

Gene: SCN2A (sodium voltage-gated channel alpha subunit 2; plus strand). Cytogenetic location: 2q24.3.
Variant type: single nucleotide variant.
Coding change: c.5604G>C on transcript NM_001040142.2 (MANE Select); coding-DNA position 5604, G replaced by C.
Protein change: p.Glu1868Asp; replaces glutamic acid 1868 with aspartic acid.
Molecular consequence: missense variant.
Genome position (GRCh38, 1-based): chr2:165,389,410, G>C. VCF-style: chr2-165389410-G-C. GRCh37 (hg19) VCF-style: chr2-166245920-G-C.
Other names: c.5604G>C, p.Glu1868Asp (NM_001040143.2, NM_001371246.1, NM_001371247.1 and 1 more transcripts); short protein forms E1868D.
Identifiers: ClinVar variation 1006668 (VCV001006668.11), dbSNP rs1166366442, ClinGen allele CA349039500.